The following is an entry in ClinVar:

NM_000027.4(AGA):c.21G>T (p.Leu7Phe)

Gene: AGA (aspartylglucosaminidase; minus strand). Cytogenetic location: 4q34.3.
Variant type: single nucleotide variant.
Coding change: c.21G>T on transcript NM_000027.4 (MANE Select); coding-DNA position 21, G replaced by T.
Protein change: p.Leu7Phe; replaces leucine 7 with phenylalanine.
Molecular consequence: missense variant. On other transcripts: non-coding transcript variant (1).
Genome position (GRCh38, 1-based): chr4:177,442,355, C>A on the plus strand (G>T on the coding strand, the complement: AGA is on the minus strand). VCF-style: chr4-177442355-C-A. GRCh37 (hg19) VCF-style: chr4-178363509-C-A.
Other names: c.21G>T, p.Leu7Phe (NM_001171988.2); short protein forms L7F.
Identifiers: ClinVar variation 3362224 (VCV003362224.1).

ClinVar aggregate classification (germline): Uncertain significance (1 of 4 stars; one submission).

gnomAD v4.1: 26 of 1,613,976 alleles (0.0016%); highest among the groups gnomAD compares: South Asian, 0.027%; no homozygotes.

Submission:

GeneDx
Classification: Uncertain significance. Last evaluated: 2023-05-24. Review status: criteria provided, single submitter. Criteria: GeneDx Variant Classification Process June 2021. Collection method: clinical testing. Allele origin: germline. Affected: yes.
Comment: In silico analysis supports that this missense variant does not alter protein structure/function; Has not been previously published as pathogenic or benign to our knowledge